The following is an entry in ClinVar:

NM_002470.4(MYH3):c.4729A>G (p.Ile1577Val)

Gene: MYH3 (myosin heavy chain 3; minus strand). Cytogenetic location: 17p13.1.
Variant type: single nucleotide variant.
Coding change: c.4729A>G on transcript NM_002470.4 (MANE Select); coding-DNA position 4729, A replaced by G.
Protein change: p.Ile1577Val; replaces isoleucine 1577 with valine.
Molecular consequence: missense variant.
Genome position (GRCh38, 1-based): chr17:10,632,703, T>C on the plus strand (A>G on the coding strand, the complement: MYH3 is on the minus strand). VCF-style: chr17-10632703-T-C. GRCh37 (hg19) VCF-style: chr17-10536020-T-C.
Other names: short protein forms I1577V.
Identifiers: ClinVar variation 2182409 (VCV002182409.4), dbSNP rs2142384463, ClinGen allele CA398137721.

ClinVar aggregate classification (germline): Uncertain significance (1 of 4 stars; one submission).

Allele frequency attached by ClinVar (database versions not stated): gnomAD exomes below 0.00001; gnomAD 0.00001; 1000 Genomes Project 30x 0.00016.
gnomAD v4.1: 3 of 1,614,192 alleles (0.00019%); highest among the groups gnomAD compares: Non-Finnish European, 0.00025%; no homozygotes.

Submission:

Labcorp Genetics (formerly Invitae), Labcorp
Classification: Uncertain significance. Last evaluated: 2024-02-06. Review status: criteria provided, single submitter. Criteria: Invitae Variant Classification Sherloc (09022015). Collection method: clinical testing. Allele origin: germline.
Comment: This sequence change replaces isoleucine, which is neutral and non-polar, with valine, which is neutral and non-polar, at codon 1577 of the MYH3 protein (p.Ile1577Val). This variant is not present in population databases (gnomAD no frequency). This variant has not been reported in the literature in individuals affected with MYH3-related conditions. ClinVar contains an entry for this variant (Variation ID: 2182409). Advanced modeling of protein sequence and biophysical properties (such as structural, functional, and spatial information, amino acid conservation, physicochemical variation, residue mobility, and thermodynamic stability) performed at Invitae indicates that this missense variant is not expected to disrupt MYH3 protein function with a negative predictive value of 95%. In summary, the available evidence is currently insufficient to determine the role of this variant in disease. Therefore, it has been classified as a Variant of Uncertain Significance.